The following is an entry in ClinVar:

NM_001365536.1(SCN9A):c.3028A>G (p.Ile1010Val)

Genes: SCN1A-AS1 (SCN1A and SCN9A antisense RNA 1; plus strand), SCN9A (sodium voltage-gated channel alpha subunit 9; minus strand). Cytogenetic location: 2q24.3.
Variant type: single nucleotide variant.
Coding change: c.3028A>G on transcript NM_001365536.1 (MANE Select); coding-DNA position 3028, A replaced by G.
Protein change: p.Ile1010Val; replaces isoleucine 1010 with valine.
Molecular consequence: missense variant.
Genome position (GRCh38, 1-based): chr2:166,272,722, T>C on the plus strand (A>G on the coding strand, the complement: SCN9A is on the minus strand). VCF-style: chr2-166272722-T-C. GRCh37 (hg19) VCF-style: chr2-167129232-T-C.
Other names: c.2995A>G, p.Ile999Val (NM_002977.4); short protein forms I999V, I1010V.
Identifiers: ClinVar variation 546401 (VCV000546401.13), dbSNP rs375510818, ClinGen allele CA1944152.

ClinVar aggregate classification (germline): Conflicting classifications of pathogenicity. Review status: criteria provided, conflicting classifications (1 of 4 stars). 4 submissions from 4 submitters: Uncertain significance (3); Likely benign (1). Last evaluated 2026-09-03.

Conditions:
Inborn genetic diseases. Identifiers: MedGen C0950123, MeSH D030342.
Generalized epilepsy with febrile seizures plus, type 7 (GEFSP7). Also called: GEFS+, TYPE 7. Identifiers: Orphanet 36387, MedGen C2751778, MONDO:0013470, OMIM 613863.
Neuropathy, hereditary sensory and autonomic, type 2A (HSAN2A). Also called: ACROOSTEOLYSIS, GIACCAI TYPE; ACROOSTEOLYSIS, NEUROGENIC; WNK1-Related HSAN2 (HSAN2A); HSAN IIA; MORVAN DISEASE; NEUROPATHY, CONGENITAL SENSORY. Identifiers: Orphanet 970, MedGen C2752089, MONDO:0024309, OMIM 201300.
SCN9A-related disorder. Also called: SCN9A-related disorders; SCN9A-related condition.

Allele frequency attached by ClinVar (database versions not stated): gnomAD exomes 0.00001 and 0.00002; ExAC 0.00004; gnomAD 0.00008; ESP Exome Variant Server 0.00009; TOPMed 0.00014; 1000 Genomes Project 30x 0.00016; 1000 Genomes Project 0.00020.
gnomAD v4.1: 24 of 1,591,296 alleles (0.0015%); highest among the groups gnomAD compares: African/African-American, 0.031%; no homozygotes.

Submissions (4):

PreventionGenetics, part of Exact Sciences
Classification: Uncertain significance for SCN9A-related condition. Last evaluated: 2026-09-03. Review status: criteria provided, single submitter. Criteria: ACMG Guidelines, 2015. Collection method: clinical testing. Allele origin: germline.
Comment: The SCN9A c.2995A>G variant is predicted to result in the amino acid substitution p.Ile999Val. To our knowledge, this variant has not been reported in the literature. This variant is reported in 0.025% of alleles in individuals of African descent in gnomAD. At this time, the clinical significance of this variant is uncertain due to the absence of conclusive functional and genetic evidence.

Labcorp Genetics (formerly Invitae), Labcorp
Classification: Likely benign for Neuropathy, hereditary sensory and autonomic, type 2A; Generalized epilepsy with febrile seizures plus, type 7. Last evaluated: 2025-09-16. Review status: criteria provided, single submitter. Criteria: Invitae Variant Classification Sherloc (09022015). Collection method: clinical testing. Allele origin: germline.

Ambry Genetics
Classification: Uncertain significance for Inborn genetic diseases. Last evaluated: 2025-04-04. Review status: criteria provided, single submitter. Criteria: Ambry Variant Classification Scheme 2023. Collection method: clinical testing. Allele origin: germline.
Comment: Unlikely to be causative of SCN9A-related neuropathic pain syndromes (AD) Based on insufficient or conflicting evidence, the clinical significance of this alteration remains unclear.

GeneDx
Classification: Uncertain significance. Last evaluated: 2018-05-18. Review status: criteria provided, single submitter. Criteria: GeneDx Variant Classification (06012015). Collection method: clinical testing. Allele origin: germline. Affected: yes.
Comment: A variant of uncertain significance has been identified in the SCN9A gene. The I999V variant has not been published as a pathogenic variant, nor has it been reported as a benign variant to our knowledge. The I999V variant is observed in 7/23618 (0.03%) alleles from individuals of African background (Lek et al., 2016). The I999V variant is a conservative amino acid substitution, which is not likely to impact secondary protein structure as these residues share similar properties. In-silico analyses, including protein predictors and evolutionary conservation, support that this variant does not alter protein structure/function. Based on the currently available information, it is unclear whether this variant is a pathogenic variant or a rare benign variant.